The following is an entry in ClinVar:

ClinVar aggregate classification (germline): Uncertain significance (1 of 4 stars; one submission).

Conditions:
Cystic fibrosis (CF). Also called: MUCOVISCIDOSIS. Identifiers: Orphanet 586, MedGen C0010674, MONDO:0009061, OMIM 219700. Disease mechanism: loss of function.

Allele frequency attached by ClinVar (database versions not stated): TOPMed below 0.00001.

Submission:

Ambry Genetics
Classification: Uncertain significance for Cystic fibrosis. Last evaluated: 2017-05-02. Review status: criteria provided, single submitter. Criteria: Ambry Variant Classification Scheme 2023. Collection method: clinical testing. Allele origin: germline.
Comment: The p.I331F variant (also known as c.991A>T), located in coding exon 8 of the CFTR gene, results from an A to T substitution at nucleotide position 991. The isoleucine at codon 331 is replaced by phenylalanine, an amino acid with highly similar properties. This amino acid position is highly conserved in available vertebrate species. In addition, this alteration is predicted to be deleterious by in silico analysis. Since supporting evidence is limited at this time, the clinical significance of this alteration remains unclear.

NM_000492.4(CFTR):c.991A>T (p.Ile331Phe)

Gene: CFTR (CF transmembrane conductance regulator; plus strand). Cytogenetic location: 7q31.2.
Variant type: single nucleotide variant.
Coding change: c.991A>T on transcript NM_000492.4 (MANE Select); coding-DNA position 991, A replaced by T.
Protein change: p.Ile331Phe; replaces isoleucine 331 with phenylalanine.
Molecular consequence: missense variant.
Genome position (GRCh38, 1-based): chr7:117,540,221, A>T. VCF-style: chr7-117540221-A-T. GRCh37 (hg19) VCF-style: chr7-117180275-A-T.
Other names: short protein forms I331F.
Identifiers: ClinVar variation 1768609 (VCV001768609.2), dbSNP rs1799028153, ClinGen allele CA368978669.